The following is an entry in ClinVar:

ClinVar aggregate classification (germline): Benign. Review status: criteria provided, single submitter (1 of 4 stars). 3 submissions from 3 submitters: Benign (1). 2 of the submissions do not count toward it. Last evaluated 2025-12-01.

Conditions:
Glutamate formiminotransferase deficiency. Also called: Arakawa syndrome 1; Formiminoglutamic aciduria. Identifiers: Orphanet 51208, MedGen C0268609, MONDO:0009240, OMIM 229100.
Intellectual disability. Also called: intellectual disabilities; Intellectual functioning disability; Intellectual developmental disorder. Identifiers: MedGen C3714756, MeSH D008607, MONDO:0001071, HP:0001249.
FTCD-related disorder. Also called: FTCD-related condition.

Allele frequency attached by ClinVar (database versions not stated): gnomAD exomes 0.00189; 1000 Genomes Project 30x 0.00016; TOPMed 0.00147; ESP Exome Variant Server 0.00165; ExAC 0.00592; gnomAD 0.00151 and 0.00152; 1000 Genomes Project 0.00020.
gnomAD v4.1: 3,368 of 1,566,986 alleles (0.21%); highest among the groups gnomAD compares: Non-Finnish European, 0.26%; 4 homozygotes.

Submissions (3):

Labcorp Genetics (formerly Invitae), Labcorp
Classification: Benign for Glutamate formiminotransferase deficiency. Last evaluated: 2025-12-01. Review status: criteria provided, single submitter. Criteria: Invitae Variant Classification Sherloc (09022015). Collection method: clinical testing. Allele origin: germline.

PreventionGenetics, part of Exact Sciences
Classification: Likely benign for FTCD-related condition. Last evaluated: 2022-02-28. Review status: no assertion criteria provided. Collection method: clinical testing. Allele origin: germline. Not counted in ClinVar's aggregate classification.
Comment: This variant is classified as likely benign based on ACMG/AMP sequence variant interpretation guidelines (Richards et al. 2015 PMID: 25741868, with internal and published modifications).

Centre de Biologie Pathologie Génétique, Centre Hospitalier Universitaire de Lille
Classification: Uncertain significance for Intellectual disability. Last evaluated: 2019-01-01. Review status: no assertion criteria provided. Collection method: clinical testing. Allele origin: unknown. Affected: yes. Not counted in ClinVar's aggregate classification.

NM_206965.2(FTCD):c.382G>A (p.Glu128Lys)

Genes: FTCD (formimidoyltransferase cyclodeaminase; minus strand), FTCD-AS1 (FTCD antisense RNA 1; plus strand). Cytogenetic location: 21q22.3.
Variant type: single nucleotide variant.
Coding change: c.382G>A on transcript NM_206965.2 (MANE Select); coding-DNA position 382, G replaced by A.
Protein change: p.Glu128Lys; replaces glutamic acid 128 with lysine.
Molecular consequence: missense variant.
Genome position (GRCh38, 1-based): chr21:46,151,966, C>T on the plus strand (G>A on the coding strand, the complement: FTCD is on the minus strand). VCF-style: chr21-46151966-C-T. GRCh37 (hg19) VCF-style: chr21-47571880-C-T.
Other names: c.382G>A, p.Glu128Lys (NM_001320412.2, NM_006657.3); c.382G>A (NM_001320412.1); short protein forms E128K.
Identifiers: ClinVar variation 340437 (VCV000340437.16), dbSNP rs61729373, ClinGen allele CA10073927.